The following is an entry in ClinVar:

ClinVar aggregate classification (germline): Uncertain significance (3 of 4 stars; one submission).

Conditions:
Hereditary factor VIII deficiency disease (HEMA). Also called: HEMOPHILIA, CLASSIC; Hemophilia A; Hemophilia A, congenital; HEM A; Factor 8 deficiency, congenital; AUTOSOMAL HEMOPHILIA A. Identifiers: Orphanet 98878, MedGen C0019069, MONDO:0010602, OMIM 306700.

Submission:

ClinGen Coagulation Factor Deficiency Variant Curation Expert Panel, Clingen
Classification: Uncertain significance for Hereditary factor VIII deficiency disease. Last evaluated: 2026-02-06. Review status: reviewed by expert panel. Criteria: ClinGen CoagFactor ACMG Specifications F8 V1.0.0. Collection method: curation. Allele origin: germline. Inheritance: X-linked inheritance.
Comment: The c.1243G>A; p.Ala415Thr variant is absent from gnomAD v4.1.0. PM2_Supporting meeting PM2_Supporting. This missense variant has a REVEL score of 0.848 (>0.6) meeting PP3. The variant has not been reported in patients with hemophilia A in the literature to the best of our knowledge. Ala415Val is a pathogenic variant at the same residue according to CFD VCEP specifications meeting PM5. In summary, based on the evidence available at this time, the clinical significance of this variant is uncertain. ACMG/AMP criteria applied, as specified by the Coagulation Factor Deficiency Variant Curation Expert Panel rule specifications v2.0.0 for F8: PM5, PS4_Supporting, PP3, PM2_Supporting.

NM_000132.4(F8):c.1243G>A (p.Ala415Thr)

Gene: F8 (coagulation factor VIII; minus strand). Cytogenetic location: Xq28.
Variant type: single nucleotide variant.
Coding change: c.1243G>A on transcript NM_000132.4 (MANE Select); coding-DNA position 1243, G replaced by A.
Protein change: p.Ala415Thr; replaces alanine 415 with threonine.
Molecular consequence: missense variant.
Genome position (GRCh38, 1-based): chrX:154,966,454, C>T on the plus strand (G>A on the coding strand, the complement: F8 is on the minus strand). VCF-style: chrX-154966454-C-T. GRCh37 (hg19) VCF-style: chrX-154194729-C-T.
Other names: NM_000132.3:c.1243G>A; short protein forms A415T.
Identifiers: ClinVar variation 4849496 (VCV004849496.1).